The following is an entry in ClinVar:

ClinVar aggregate classification (germline): Benign/Likely benign. Review status: criteria provided, multiple submitters, no conflicts (2 of 4 stars). 12 submissions from 12 submitters: Benign (5); Likely benign (6). 1 of the submissions does not count toward it. Last evaluated 2026-01-27.

Conditions:
Hereditary cancer-predisposing syndrome. Also called: Tumor predisposition; Neoplastic Syndromes, Hereditary; Hereditary neoplastic syndrome; Hereditary Cancer Syndrome. Identifiers: Orphanet 140162, MedGen C0027672, MeSH D009386, MONDO:0015356.
Hereditary breast ovarian cancer syndrome. Also called: Hereditary breast and ovarian cancer syndrome; Hereditary breast and ovarian cancer syndrome (HBOC); Hereditary breast and ovarian cancer; Breast and ovarian cancer; BRCA1- and BRCA2-Associated Hereditary Breast and Ovarian Cancer; Hereditary breast and/or ovarian cancer syndrome. Identifiers: Orphanet 145, MedGen C0677776, MeSH D061325, MONDO:0003582. Disease mechanism: loss of function.
Familial cancer of breast. Also called: BREAST CANCER, FAMILIAL; hereditary breast carcinoma; Hereditary breast cancer. Identifiers: Orphanet 227535, MedGen C0346153, MONDO:0016419, OMIM 114480. Disease mechanism: loss of function.
Malignant tumor of breast. Also called: Malignant breast neoplasm; Cancer breast. Identifiers: MedGen C0006142, MONDO:0007254. Disease mechanism: loss of function.

Allele frequency attached by ClinVar (database versions not stated): gnomAD exomes 0.00004 and 0.00009; ExAC 0.00008; gnomAD 0.00032 and 0.00034; TOPMed 0.00034; ESP Exome Variant Server 0.00062.
gnomAD v4.1: 107 of 1,613,730 alleles (0.0066%); highest among the groups gnomAD compares: African/African-American, 0.11%; no homozygotes.

Submissions (12):

Labcorp Genetics (formerly Invitae), Labcorp
Classification: Benign for Familial cancer of breast. Last evaluated: 2026-01-27. Review status: criteria provided, single submitter. Criteria: Invitae Variant Classification Sherloc (09022015). Collection method: clinical testing. Allele origin: germline.

Myriad Genetics, Inc.
Classification: Benign for Familial cancer of breast. Last evaluated: 2024-10-07. Review status: criteria provided, single submitter. Criteria: Myriad Autosomal Dominant, Autosomal Recessive and X-Linked Classification Criteria (2023). Collection method: clinical testing. Allele origin: unknown.
Comment: This variant is considered benign. This variant is a silent/synonymous amino acid change and it is not expected to impact splicing.

Blueprint Genetics
Classification: Likely benign. Last evaluated: 2024-05-31. Review status: criteria provided, single submitter. Criteria: ACMG Guidelines, 2015. Collection method: clinical testing. Allele origin: germline.

Quest Diagnostics Nichols Institute San Juan Capistrano
Classification: Benign. Last evaluated: 2022-12-03. Review status: criteria provided, single submitter. Criteria: Quest Diagnostics criteria. Collection method: clinical testing. Allele origin: unknown.

National Health Laboratory Service, Universitas Academic Hospital and University of the Free State
Classification: Likely benign for Hereditary breast ovarian cancer syndrome. Last evaluated: 2022-04-19. Review status: criteria provided, single submitter. Criteria: ACMG Guidelines, 2015. Collection method: clinical testing. Allele origin: germline. Affected: yes. Observed: 1 variant allele.

Genetic Services Laboratory, University of Chicago
Classification: Likely benign. Last evaluated: 2022-01-03. Review status: criteria provided, single submitter. Criteria: ACMG Guidelines, 2015. Collection method: clinical testing. Allele origin: germline. Affected: no.

Sema4
Classification: Likely benign for Hereditary cancer-predisposing syndrome. Last evaluated: 2021-03-19. Review status: criteria provided, single submitter. Criteria: Sema4 Curation Guidelines. Collection method: curation. Allele origin: germline.

Women's Health and Genetics/Laboratory Corporation of America, LabCorp
Classification: Benign. Last evaluated: 2018-12-26. Review status: criteria provided, single submitter. Criteria: LabCorp Variant Classification Summary - May 2015. Collection method: clinical testing. Allele origin: germline.
Comment: Variant summary: The variant, CHEK2 c.1176G>A alters a non-conserved nucleotide resulting in a synonymous change. 5/5 computational tools predict no significant impact on normal splicing. However, these predictions have yet to be confirmed by functional studies. The variant allele was found at a frequency of 0.00014 in 301872 control chromosomes (gnomAD and Momozawa_2018), predominantly at a frequency of 0.001 within the African subpopulation in the gnomAD database. The observed variant frequency within African control individuals in the gnomAD database is approximately 3.2 fold of the estimated maximal expected allele frequency for a pathogenic variant in CHEK2 causing Hereditary Breast and Ovarian Cancer phenotype (0.00031), strongly suggesting that the variant is a benign polymorphism found primarily in populations of African origin. The variant c.1176G>A has been reported in the literature in individuals affected with breast cancer (Wang_2015). However, this report does not provide unequivocal conclusions about association of the variant with Hereditary Breast and Ovarian Cancer. Co-occurrences with other pathogenic variant(s) have been reported (PMS2 c.2186_2187delTC, p.Leu729fsX6), providing supporting evidence for a benign role. To our knowledge, no experimental evidence demonstrating an impact on protein function has been reported. Two clinical diagnostic laboratories have submitted clinical-significance assessments for this variant to ClinVar after 2014 without evidence for independent evaluation. All laboratories classified the variant as benign (X1) or likely benign (X1). Based on the evidence outlined above, the variant was classified as benign.

Color Diagnostics, LLC DBA Color Health
Classification: Likely benign for Hereditary cancer-predisposing syndrome. Last evaluated: 2016-05-19. Review status: criteria provided, single submitter. Criteria: ACMG Guidelines, 2015. Collection method: clinical testing. Allele origin: germline.

GeneDx
Classification: Benign. Last evaluated: 2015-03-03. Review status: criteria provided, single submitter. Criteria: GeneDx Variant Classification Process June 2021. Collection method: clinical testing. Allele origin: germline. Affected: yes.
Comment: This variant is associated with the following publications: (PMID: 32906215)

Ambry Genetics
Classification: Likely benign for Hereditary cancer-predisposing syndrome. Last evaluated: 2014-09-25. Review status: criteria provided, single submitter. Criteria: Ambry Variant Classification Scheme 2023. Collection method: clinical testing. Allele origin: germline.

Department of Pathology and Laboratory Medicine, Sinai Health System
Classification: Likely benign for Malignant tumor of breast. Review status: no assertion criteria provided. Collection method: clinical testing. Allele origin: unknown. Affected: yes. Study: The Canadian Open Genetics Repository (COGR). Not counted in ClinVar's aggregate classification.
Comment: The CHEK2 p.Ala392Ala variant was not identified in the literature nor was it identified in the Cosmic, MutDB, Zhejiang Colon Cancer Database. The variant was identified in dbSNP (ID: rs142692907) as â€šÃ„ÃºWith Likely benign alleleâ€šÃ„Ã¹ and ClinVar (3x as benign by Invitae, likely benign by Ambry Genetics and Color) databases. The variant was identified in control databases in 32 of 276892 chromosomes at a frequency of 0.00012 increasing the likelihood this could be a low frequency variant (Genome Aggregation Database Feb 27, 2017). The variant was observed in the following populations: African in 25 of 24032 chromosomes (freq: 0.001), Latino in 4 of 34406 chromosomes (freq: 0.00012), European Non-Finnish in 1 of 126400 chromosomes (freq: 0.000008), European Finnish in 1 of 25794 chromosomes (freq: 0.000039), and South Asian in 1 of 30782 chromosomes (freq: 0.000032); while the variant was not observed in the Other, Ashkenazi Jewish or East Asian populations. The p.Ala392Ala variant is not expected to have clinical significance because it does not result in a change of amino acid and is not located in a known consensus splice site. In addition, in silico or computational prediction software programs (SpliceSiteFinder, MaxEntScan, NNSPLICE, GeneSplicer) do not predict a difference in splicing. In summary, based on the above information the clinical significance of this variant cannot be determined with certainty at this time although we would lean towards a more benign role for this variant. This variant is classified as likely benign.

Literature cited by the submitters: PubMed 25619829 (cited by Quest Diagnostics Nichols Institute San Juan Capistrano and Women's Health and Genetics/Laboratory Corporation of America, LabCorp).

NM_007194.4(CHEK2):c.1176G>A (p.Ala392=)

Gene: CHEK2 (checkpoint kinase 2; minus strand). Cytogenetic location: 22q12.1.
Variant type: single nucleotide variant.
Coding change: c.1176G>A on transcript NM_007194.4 (MANE Select); coding-DNA position 1176, G replaced by A.
Protein change: p.Ala392=; no amino-acid change (alanine 392 retained).
Molecular consequence: synonymous variant.
Genome position (GRCh38, 1-based): chr22:28,695,793, C>T on the plus strand (G>A on the coding strand, the complement: CHEK2 is on the minus strand). VCF-style: chr22-28695793-C-T. GRCh37 (hg19) VCF-style: chr22-29091781-C-T.
Other names: NP_009125.1:p.Ala392=; c.1305G>A, p.Ala435= (NM_001005735.3); c.513G>A, p.Ala171= (NM_001257387.3); c.975G>A, p.Ala325= (NM_001349956.3); c.1089G>A, p.Ala363= (NM_145862.3).
Identifiers: ClinVar variation 183985 (VCV000183985.30), dbSNP rs142692907, ClinGen allele CA187398.